The following is an entry in ClinVar:

NM_000264.5(PTCH1):c.3340del (p.Arg1114fs)

Gene: PTCH1 (patched 1; minus strand). Cytogenetic location: 9q22.32.
Variant type: Deletion.
Coding change: c.3340del on transcript NM_000264.5 (MANE Select); coding-DNA position 3340, one base deleted (A; older notation c.3340delA).
Protein change: p.Arg1114fs; shifts the reading frame from arginine 1114.
Molecular consequence: frameshift variant. On other transcripts: non-coding transcript variant (1).
Genome position (GRCh38, 1-based): chr9:95,453,587, T deleted on the plus strand (A on the coding strand, the reverse complement: PTCH1 is on the minus strand). VCF-style (leftmost placement, unchanged base first): chr9-95453586-CT-C. GRCh37 (hg19) VCF-style: chr9-98215868-CT-C.
Other names: c.3142del, p.Arg1048fs (NM_001083602.3); c.3337del, p.Arg1113fs (NM_001083603.3); c.2887del, p.Arg963fs (NM_001083604.3, NM_001083605.3, NM_001083606.3 and 1 more transcripts); c.3184del, p.Arg1062fs (NM_001354918.2); short protein forms R1062fs, R1113fs, R1114fs, R963fs, R1048fs.
Identifiers: ClinVar variation 3939998 (VCV003939998.1).
Genomic context (GRCh38, chr9:95,453,586, plus strand): 5'-AGAGTGGACACGGCGCCATCCAGGACGGGTGCAAACATGTGCTCCAGGGCAAGCACAGCC[CT>C]GCGGTTCTTGTCGCCGATGGCCGTCAGAAAGGCCTGTGCAATGAGGATGTTCACAAGATC-3'

ClinVar aggregate classification (germline): Pathogenic (1 of 4 stars; one submission).

Conditions:
Hereditary cancer-predisposing syndrome. Also called: Tumor predisposition; Hereditary neoplastic syndrome; Hereditary Cancer Syndrome; Neoplastic Syndromes, Hereditary. Identifiers: Orphanet 140162, MedGen C0027672, MeSH D009386, MONDO:0015356.

Submission:

Ambry Genetics
Classification: Pathogenic for Hereditary cancer-predisposing syndrome. Last evaluated: 2025-05-23. Review status: criteria provided, single submitter. Criteria: Ambry Variant Classification Scheme 2023. Collection method: clinical testing. Allele origin: germline.
Comment: The c.3340delA (p.R1114Gfs*25) alteration, located in exon 20 (coding exon 20) of the PTCH1 gene, consists of a deletion of one nucleotide at position 3340, causing a translational frameshift with a predicted alternate stop codon after 25 amino acids. This alteration is expected to result in loss of function by premature protein truncation or nonsense-mediated mRNA decay. This variant was not reported in population-based cohorts in the Genome Aggregation Database (gnomAD). Based on the available evidence, this alteration is classified as pathogenic.